The following is an entry in ClinVar:

NM_001005242.3(PKP2):c.2349A>G (p.Ala783=)

Gene: PKP2 (plakophilin 2; minus strand). Cytogenetic location: 12p11.21.
Variant type: single nucleotide variant.
Coding change: c.2349A>G on transcript NM_001005242.3 (MANE Select); coding-DNA position 2349, A replaced by G.
Protein change: p.Ala783=; no amino-acid change (alanine 783 retained).
Molecular consequence: synonymous variant.
Genome position (GRCh38, 1-based): chr12:32,796,117, T>C on the plus strand (A>G on the coding strand, the complement: PKP2 is on the minus strand). VCF-style: chr12-32796117-T-C. GRCh37 (hg19) VCF-style: chr12-32949051-T-C.
Other names: c.2481A>G, p.Ala827= (NM_004572.4).
Identifiers: ClinVar variation 799494 (VCV000799494.13), dbSNP rs139258347, ClinGen allele CA235217962.
Genomic context (GRCh38, chr12:32,796,117, plus strand): 5'-AGGCTGGTGAGGGGAAAGGGAGGCAGCTGACGGGCAGAACTGAAGGACTTACGCATCGCC[T>C]GCACTAATGGCCATAATTTTCTGGATGCCCCCGGTGTTTAGAAGGTCGCGTGCATTCTGG-3'
Protein context (NP_001005242.2, residues 773-793): GGIQKIMAIS[Ala783=]GDAYASNKAS

ClinVar aggregate classification (germline): Likely benign. Review status: criteria provided, multiple submitters, no conflicts (2 of 4 stars). 5 submissions from 5 submitters: Likely benign (5). Last evaluated 2024-08-22.

Conditions:
Cardiovascular phenotype. Identifiers: MedGen CN230736.
Arrhythmogenic right ventricular cardiomyopathy (ARVD). Also called: Cardiomyopathy, ARVC; Arrhythmogenic right ventricular dysplasia; Arrhythmogenic cardiomyopathy; Arrhythmogenic Right Ventricular Cardiomyopathy (ARVC). Identifiers: Orphanet 247, MedGen C0349788, MeSH D019571, MONDO:0016587. Disease mechanism: loss of function. Inheritance: Various modes of inheritance.
Cardiomyopathy (CMYO). Also called: Cardiomyopathies. Identifiers: Orphanet 167848, MedGen C0878544, MONDO:0004994, HP:0001638. Inheritance: Various modes of inheritance.
Arrhythmogenic right ventricular dysplasia 9 (ARVD9). Also called: Arrhythmogenic Right Ventricular Dysplasia/Cardiomyopathy 9; ARRHYTHMOGENIC RIGHT VENTRICULAR DYSPLASIA, FAMILIAL, 9. Identifiers: MedGen C1836906, MONDO:0012180, OMIM 609040.

Allele frequency attached by ClinVar (database versions not stated): gnomAD 0.00001; TOPMed 0.00003; ESP Exome Variant Server 0.00015; gnomAD exomes below 0.00001.

Submissions (5):

Labcorp Genetics (formerly Invitae), Labcorp
Classification: Likely benign for Arrhythmogenic right ventricular dysplasia 9. Last evaluated: 2024-08-22. Review status: criteria provided, single submitter. Criteria: Invitae Variant Classification Sherloc (09022015). Collection method: clinical testing. Allele origin: germline.

All of Us Research Program, National Institutes of Health
Classification: Likely benign for Arrhythmogenic right ventricular cardiomyopathy. Last evaluated: 2024-08-06. Review status: criteria provided, single submitter. Criteria: ACMG Guidelines, 2015. Collection method: clinical testing. Allele origin: germline. Inheritance: Autosomal dominant inheritance. Observed: 2 variant alleles, 2 heterozygotes.
Comment: This study involves interpretation of variants in research participants for the purpose of population health screening. Participant phenotype was not available at the time of variant classification. Additional details can be found in publication PMID: 35346344, PMCID: PMC8962531

Color Diagnostics, LLC DBA Color Health
Classification: Likely benign for Cardiomyopathy. Last evaluated: 2022-11-06. Review status: criteria provided, single submitter. Criteria: ACMG Guidelines, 2015. Collection method: clinical testing. Allele origin: germline.

CHEO Genetics Diagnostic Laboratory, Children's Hospital of Eastern Ontario
Classification: Likely benign for Cardiomyopathy. Last evaluated: 2021-09-01. Review status: criteria provided, single submitter. Criteria: ACMG Guidelines, 2015. Collection method: clinical testing. Allele origin: germline.

Ambry Genetics
Classification: Likely benign for Cardiovascular phenotype. Last evaluated: 2020-08-07. Review status: criteria provided, single submitter. Criteria: Ambry Variant Classification Scheme 2023. Collection method: clinical testing. Allele origin: germline.